The following is an entry in ClinVar:

ClinVar aggregate classification (germline): Uncertain significance. Review status: criteria provided, multiple submitters, no conflicts (2 of 4 stars). 6 submissions from 6 submitters: Uncertain significance (6). Last evaluated 2025-12-03.

Conditions:
Hereditary nonpolyposis colorectal neoplasms. Identifiers: MedGen C0009405, MeSH D003123.
Hereditary cancer-predisposing syndrome. Also called: Neoplastic Syndromes, Hereditary; Tumor predisposition; Hereditary Cancer Syndrome; Hereditary neoplastic syndrome. Identifiers: Orphanet 140162, MedGen C0027672, MeSH D009386, MONDO:0015356.
Endometrial carcinoma. Also called: Endometrial carcinoma, somatic. Identifiers: MedGen C0476089, MONDO:0002447, OMIM 608089, HP:0012114.

Allele frequency attached by ClinVar (database versions not stated): ExAC 0.00001; gnomAD 0.00001; gnomAD exomes 0.00001; TOPMed 0.00002.
gnomAD v4.1: 19 of 1,614,038 alleles (0.0012%); highest among the groups gnomAD compares: Non-Finnish European, 0.0014%; no homozygotes.

Submissions (6):

Labcorp Genetics (formerly Invitae), Labcorp
Classification: Uncertain significance for Hereditary nonpolyposis colorectal neoplasms. Last evaluated: 2025-12-03. Review status: criteria provided, single submitter. Criteria: Invitae Variant Classification Sherloc (09022015). Collection method: clinical testing. Allele origin: germline.
Comment: This sequence change replaces serine, which is neutral and polar, with cysteine, which is neutral and slightly polar, at codon 682 of the MSH6 protein (p.Ser682Cys). This variant is not present in population databases (gnomAD no frequency). This variant has not been reported in the literature in individuals affected with MSH6-related conditions. ClinVar contains an entry for this variant (Variation ID: 410508). An algorithm developed specifically for the MSH6 gene suggests that this missense change is likely to be deleterious (PMID: 23621914). In summary, the available evidence is currently insufficient to determine the role of this variant in disease. Therefore, it has been classified as a Variant of Uncertain Significance.

Color Diagnostics, LLC DBA Color Health
Classification: Uncertain significance for Hereditary cancer-predisposing syndrome. Last evaluated: 2025-04-14. Review status: criteria provided, single submitter. Criteria: ACMG Guidelines, 2015. Collection method: clinical testing. Allele origin: germline.
Comment: This missense variant replaces serine with cysteine at codon 682 of the MSH6 protein. Computational prediction suggests that this variant may have deleterious impact on protein structure and function. To our knowledge, functional studies have not been reported for this variant. This variant has not been reported in individuals affected with MSH6-related disorders in the literature. This variant has not been identified in the general population by the Genome Aggregation Database (gnomAD). The available evidence is insufficient to determine the role of this variant in disease conclusively. Therefore, this variant is classified as a Variant of Uncertain Significance.

Ambry Genetics
Classification: Uncertain significance for Hereditary cancer-predisposing syndrome. Last evaluated: 2023-10-25. Review status: criteria provided, single submitter. Criteria: Ambry Variant Classification Scheme 2023. Collection method: clinical testing. Allele origin: germline.
Comment: The p.S682C variant (also known as c.2045C>G), located in coding exon 4 of the MSH6 gene, results from a C to G substitution at nucleotide position 2045. The serine at codon 682 is replaced by cysteine, an amino acid with dissimilar properties. This amino acid position is highly conserved in available vertebrate species. In addition, this alteration is predicted to be deleterious by in silico analysis. Since supporting evidence is limited at this time, the clinical significance of this alteration remains unclear.

GeneDx
Classification: Uncertain significance. Last evaluated: 2023-10-08. Review status: criteria provided, single submitter. Criteria: GeneDx Variant Classification Process June 2021. Collection method: clinical testing. Allele origin: germline. Affected: yes.
Comment: Not observed at significant frequency in large population cohorts (gnomAD); In silico analysis supports that this missense variant has a deleterious effect on protein structure/function; Has not been previously published as pathogenic or benign to our knowledge; This variant is associated with the following publications: (PMID: 23621914, 17531815, 21120944, 36243179)

Baylor Genetics
Classification: Uncertain significance for Endometrial carcinoma. Last evaluated: 2023-09-23. Review status: criteria provided, single submitter. Criteria: ACMG Guidelines, 2015. Collection method: clinical testing. Allele origin: unknown.

Blueprint Genetics
Classification: Uncertain significance. Last evaluated: 2022-01-05. Review status: criteria provided, single submitter. Criteria: ACMG Guidelines, 2015. Collection method: clinical testing. Allele origin: germline.

Literature cited by the submitters: PubMed 23621914 (cited by Labcorp Genetics (formerly Invitae), Labcorp).

NM_000179.3(MSH6):c.2045C>G (p.Ser682Cys)

Gene: MSH6 (mutS homolog 6; plus strand). Cytogenetic location: 2p16.3.
Variant type: single nucleotide variant.
Coding change: c.2045C>G on transcript NM_000179.3 (MANE Select); coding-DNA position 2045, C replaced by G.
Protein change: p.Ser682Cys; replaces serine 682 with cysteine.
Molecular consequence: missense variant.
Genome position (GRCh38, 1-based): chr2:47,800,028, C>G. VCF-style: chr2-47800028-C-G. GRCh37 (hg19) VCF-style: chr2-48027167-C-G.
Other names: c.1655C>G, p.Ser552Cys (NM_001281492.2); c.1139C>G, p.Ser380Cys (NM_001281493.2, NM_001281494.2); short protein forms S682C, S380C, S552C.
Identifiers: ClinVar variation 410508 (VCV000410508.21), dbSNP rs587779225, ClinGen allele CA068410.